The following is an entry in ClinVar:

ClinVar aggregate classification (germline): Uncertain significance. Review status: criteria provided, multiple submitters, no conflicts (2 of 4 stars). 2 submissions from 2 submitters: Uncertain significance (2). Last evaluated 2023-12-12.

gnomAD v4.1: 2 of 1,613,992 alleles (0.00012%); highest among the groups gnomAD compares: African/African-American, 0.0013%; no homozygotes.

Submissions (2):

Greenwood Genetic Center Diagnostic Laboratories, Greenwood Genetic Center
Classification: Uncertain significance. Last evaluated: 2023-12-12. Review status: criteria provided, single submitter. Criteria: ACMG Guidelines, 2015. Collection method: clinical testing. Allele origin: germline. Affected: yes.
Comment: PM2

Labcorp Genetics (formerly Invitae), Labcorp
Classification: Uncertain significance. Last evaluated: 2022-09-27. Review status: criteria provided, single submitter. Criteria: Invitae Variant Classification Sherloc (09022015). Collection method: clinical testing. Allele origin: germline.
Comment: In summary, the available evidence is currently insufficient to determine the role of this variant in disease. Therefore, it has been classified as a Variant of Uncertain Significance. Algorithms developed to predict the effect of missense changes on protein structure and function are either unavailable or do not agree on the potential impact of this missense change (SIFT: "Tolerated"; PolyPhen-2: "Probably Damaging"; Align-GVGD: "Class C0"). This variant has not been reported in the literature in individuals affected with KAT6A-related conditions. This variant is not present in population databases (gnomAD no frequency). This sequence change replaces arginine, which is basic and polar, with proline, which is neutral and non-polar, at codon 1200 of the KAT6A protein (p.Arg1200Pro).

NM_006766.5(KAT6A):c.3599G>C (p.Arg1200Pro)

Gene: KAT6A (lysine acetyltransferase 6A; minus strand). Cytogenetic location: 8p11.21.
Variant type: single nucleotide variant.
Coding change: c.3599G>C on transcript NM_006766.5 (MANE Select); coding-DNA position 3599, G replaced by C.
Protein change: p.Arg1200Pro; replaces arginine 1200 with proline.
Molecular consequence: missense variant.
Genome position (GRCh38, 1-based): chr8:41,934,621, C>G on the plus strand (G>C on the coding strand, the complement: KAT6A is on the minus strand). VCF-style: chr8-41934621-C-G. GRCh37 (hg19) VCF-style: chr8-41792139-C-G.
Other names: short protein forms R1200P.
Identifiers: ClinVar variation 1914929 (VCV001914929.6), dbSNP rs140223219, ClinGen allele CA371068803.